The following is an entry in ClinVar:

ClinVar aggregate classification (germline): Uncertain significance (1 of 4 stars; one submission).

Conditions:
CHRNA7-related neurodevelopmental condition.

Submission:

Applied Translational Genetics Group, University of Auckland
Classification: Uncertain significance for CHRNA7-related neurodevelopmental condition. Last evaluated: 2025-10-08. Review status: criteria provided, single submitter. Criteria: ACMG Guidelines, 2015. Collection method: research. Allele origin: unknown. Inheritance: Autosomal dominant inheritance. Affected: yes. Observed: 2 heterozygotes.
Comment: This variant is a duplication invovling chromsomal region 15q13.3 with a breakpoint within the critical gene CHRNA7 (2K (+0.30)). These two individuals both presented with autism and both harbour the same duplication, but the origin of the allele and co-segregation was not established. Both 15q13.3 deletions and duplications have been associated with neurodevelopmental disorders and neuropsychiatric disorders, with dosage sensitivity of the CHRNA7 gene proposed as being a mjor contributor to the aetiology as it represents the smallest region of overlap to all the 15q13.3 deletions and duplications (PMID: 26095975). There is enrichment of this variant in cases with a consistent, specific, well-defined phenotype compared to controls (4L(+0.15)) with 5 ClinVar entries with ≥80% overlap classified as pathogenic/likely pathogenic, but no enrichment in cases without a consistent, non-specific phenotype OR unknown phenotype compared to controls (4N(-0.15)) wih 15 ClinVar entries with ≥80% overlap classified as benign/likely benign. In summary, this variant meets criteria to be classified as a variant of unknown significance for CHRNA7-related neurodevelopmental condition based on the ACMG/AMP criteria applied: 2K (+0.30), 4L (+0.15), 4N (-0.15)

Literature cited by the submitters: PubMed 26095975; PubMed 40756852.

GRCh37/hg19 15q13.3(chr15:32012000-32445000)x3

Gene: CHRNA7 (cholinergic receptor nicotinic alpha 7 subunit). Cytogenetic location: 15q13.3.
Variant type: copy number gain.
Change: copy number 3 (three copies instead of two) of chr15:32,012,000-32,445,000 (433.0 kb, GRCh37 coordinates, 1-based), cytogenetic band 15q13.3.
Identifiers: ClinVar variation 4280596 (VCV004280596.1).